The following is an entry in ClinVar:

NM_003896.4(ST3GAL5):c.326A>G (p.Gln109Arg)

Gene: ST3GAL5 (ST3 beta-galactoside alpha-2,3-sialyltransferase 5; minus strand). Cytogenetic location: 2p11.2.
Variant type: single nucleotide variant.
Coding change: c.326A>G on transcript NM_003896.4 (MANE Select); coding-DNA position 326, A replaced by G.
Protein change: p.Gln109Arg; replaces glutamine 109 with arginine.
Molecular consequence: missense variant. On other transcripts: 5 prime UTR variant (7).
Genome position (GRCh38, 1-based): chr2:85,848,197, T>C on the plus strand (A>G on the coding strand, the complement: ST3GAL5 is on the minus strand). VCF-style: chr2-85848197-T-C. GRCh37 (hg19) VCF-style: chr2-86075320-T-C.
Other names: c.257A>G, p.Gln86Arg (NM_001042437.2); c.-59A>G (NM_001354223.2, NM_001354224.2, NM_001354226.2 and 3 more transcripts); c.242A>G, p.Gln81Arg (NM_001354227.2, NM_001354229.2, NM_001354238.1); c.-579A>G (NM_001354247.1); c.326A>G, p.Gln109Arg (NM_001363847.1); short protein forms Q109R, Q86R, Q81R.
Identifiers: ClinVar variation 2135642 (VCV002135642.4), dbSNP rs2467080392, ClinGen allele CA347533048.

ClinVar aggregate classification (germline): Uncertain significance (1 of 4 stars; one submission).

Conditions:
GM3 synthase deficiency (SPDRS). Also called: SALT AND PEPPER MENTAL RETARDATION SYNDROME; SALT AND PEPPER DEVELOPMENTAL REGRESSION SYNDROME; AMISH INFANTILE EPILEPSY SYNDROME. Identifiers: Orphanet 171714, Orphanet 370933, MedGen C1836824, MONDO:0018274, OMIM 609056.

Submission:

Labcorp Genetics (formerly Invitae), Labcorp
Classification: Uncertain significance for GM3 synthase deficiency. Last evaluated: 2024-08-21. Review status: criteria provided, single submitter. Criteria: Invitae Variant Classification Sherloc (09022015). Collection method: clinical testing. Allele origin: germline.
Comment: This sequence change replaces glutamine, which is neutral and polar, with arginine, which is basic and polar, at codon 109 of the ST3GAL5 protein (p.Gln109Arg). This variant is not present in population databases (gnomAD no frequency). This variant has not been reported in the literature in individuals affected with ST3GAL5-related conditions. ClinVar contains an entry for this variant (Variation ID: 2135642). Invitae Evidence Modeling of protein sequence and biophysical properties (such as structural, functional, and spatial information, amino acid conservation, physicochemical variation, residue mobility, and thermodynamic stability) indicates that this missense variant is not expected to disrupt ST3GAL5 protein function with a negative predictive value of 80%. In summary, the available evidence is currently insufficient to determine the role of this variant in disease. Therefore, it has been classified as a Variant of Uncertain Significance.